The following is an entry in ClinVar:

ClinVar aggregate classification (germline): Uncertain significance (1 of 4 stars; one submission).

Conditions:
MYH9-related disorder. Identifiers: MedGen C1854520.

gnomAD v4.1: 3 of 1,611,646 alleles (0.00019%); highest among the groups gnomAD compares: Non-Finnish European, 0.00025%; no homozygotes.

Submission:

PreventionGenetics, part of Exact Sciences
Classification: Uncertain significance for MYH9-related condition. Last evaluated: 2026-04-13. Review status: criteria provided, single submitter. Criteria: ACMG Guidelines, 2015. Collection method: clinical testing. Allele origin: germline.
Comment: The MYH9 c.2722G>A variant is predicted to result in the amino acid substitution p.Ala908Thr. This variant was reported in individuals with developmental disorders (Supplementary Tables, Kaplanis et al. 2020. PubMed ID: 33057194; Supplementary Data, Zhou et al. 2022. PubMed ID: 35982159), but hasn't been reported in individuals with renal disease or hearing loss. This variant is reported in 0.0080% of alleles in individuals of African descent in gnomAD. At this time, the clinical significance of this variant is uncertain due to the absence of conclusive functional and genetic evidence.

NM_002473.6(MYH9):c.2722G>A (p.Ala908Thr)

Genes: MYH9 (myosin heavy chain 9; minus strand), LOC126863137 (CDK7 strongly-dependent group 2 enhancer GRCh37_chr22:36696002-36697201; plus strand). Cytogenetic location: 22q12.3.
Variant type: single nucleotide variant.
Coding change: c.2722G>A on transcript NM_002473.6 (MANE Select); coding-DNA position 2722, G replaced by A.
Protein change: p.Ala908Thr; replaces alanine 908 with threonine.
Molecular consequence: missense variant.
Genome position (GRCh38, 1-based): chr22:36,300,967, C>T on the plus strand (G>A on the coding strand, the complement: MYH9 is on the minus strand). VCF-style: chr22-36300967-C-T. GRCh37 (hg19) VCF-style: chr22-36697013-C-T.
Other names: short protein forms A908T.
Identifiers: ClinVar variation 4987857 (VCV004987857.1).